The following is an entry in ClinVar:

ClinVar aggregate classification (germline): Likely pathogenic (1 of 4 stars; one submission).

Submission:

GeneDx
Classification: Likely pathogenic. Last evaluated: 2016-05-02. Review status: criteria provided, single submitter. Criteria: GeneDx Variant Classification (06012015). Collection method: clinical testing. Allele origin: germline. Affected: yes.
Comment: A c.36_37delGCinsA variant that is likely pathogenic was identified in the RFT1 gene. It has not been published as a pathogenic variant, nor has it been reported as a benign variant to our knowledge. The c.36_37delGCinsA variant was not observed in approximately 6400 individuals of European and African American ancestry in the NHLBI Exome Sequencing Project, indicating it is not a common benign variant in these populations. The c.36_37delGCinsA variant causes a frameshift starting with codon Leucine 13, changes this amino acid to a Tryptophan residue and creates a premature Stop codon at position 14 of the new reading frame, denoted p.Leu13TrpfsX14. This variant is predicted to cause loss of normal protein function either through protein truncation or nonsense-mediated mRNA decay. In summary, we interpret this variant to be likely pathogenic.

NM_052859.4(RFT1):c.36_37delinsA (p.Leu13fs)

Genes: RFT1 (RFT1 homolog; minus strand), LOC129936883 (ATAC-STARR-seq lymphoblastoid active region 19954; plus strand). Cytogenetic location: 3p21.1.
Variant type: Indel.
Coding change: c.36_37delinsA on transcript NM_052859.4 (MANE Select); coding-DNA positions 36 to 37, GC replaced by A.
Protein change: p.Leu13fs; shifts the reading frame from leucine 13.
Molecular consequence: frameshift variant.
Genome position (GRCh38, 1-based): chr3:53,130,364-53,130,365, GC replaced by T on the plus strand (GC replaced by A on the coding strand, the reverse complement: RFT1 is on the minus strand). VCF-style: chr3-53130364-GC-T. GRCh37 (hg19) VCF-style: chr3-53164380-GC-T.
Other names: short protein forms L13fs.
Identifiers: ClinVar variation 817059 (VCV000817059.1), dbSNP rs1575509263, ClinGen allele CA915942489.